The following is an entry in ClinVar:

ClinVar aggregate classification (germline): Uncertain significance (1 of 4 stars; one submission).

Conditions:
Brugada syndrome 8 (BRGDA8). Identifiers: Orphanet 130, MedGen C2751083, MONDO:0013148, OMIM 613123.

Submission:

Labcorp Genetics (formerly Invitae), Labcorp
Classification: Uncertain significance for Brugada syndrome 8. Last evaluated: 2022-07-12. Review status: criteria provided, single submitter. Criteria: Invitae Variant Classification Sherloc (09022015). Collection method: clinical testing. Allele origin: germline.
Comment: This sequence change creates a premature translational stop signal (p.Pro167Argfs*68) in the HCN4 gene. It is expected to result in an absent or disrupted protein product. However, the current clinical and genetic evidence is not sufficient to establish whether loss-of-function variants in HCN4 cause disease. This variant is not present in population databases (gnomAD no frequency). This variant has not been reported in the literature in individuals affected with HCN4-related conditions. ClinVar contains an entry for this variant (Variation ID: 1387409). In summary, the available evidence is currently insufficient to determine the role of this variant in disease. Therefore, it has been classified as a Variant of Uncertain Significance.

NM_005477.3(HCN4):c.490_497dup (p.Pro167fs)

Gene: HCN4 (hyperpolarization activated cyclic nucleotide gated potassium channel 4; minus strand). Cytogenetic location: 15q24.1.
Variant type: Duplication.
Coding change: c.490_497dup on transcript NM_005477.3 (MANE Select); coding-DNA positions 490 to 497, 8 bases duplicated (TCGCCGCC; older notation c.490_497dupTCGCCGCC).
Protein change: p.Pro167fs; shifts the reading frame from proline 167.
Molecular consequence: frameshift variant.
Genome position (GRCh38, 1-based): chr15:73,367,774-73,367,781, GGCGGCGA duplicated on the plus strand (TCGCCGCC on the coding strand, the reverse complement: HCN4 is on the minus strand); duplicating any 8 consecutive bases within chr15:73,367,774-73,367,784 gives the same sequence; the c. name uses the placement nearest the transcript's 3' end. VCF-style (leftmost placement, unchanged base first): chr15-73367773-C-CGGCGGCGA. GRCh37 (hg19) VCF-style: chr15-73660114-C-CGGCGGCGA.
Other names: short protein forms P167fs.
Identifiers: ClinVar variation 1387409 (VCV001387409.6), dbSNP rs2151228503, ClinGen allele CA2573151175.